The following is an entry in ClinVar:

ClinVar aggregate classification (germline): Uncertain significance (1 of 4 stars; one submission).

Submission:

GeneDx
Classification: Uncertain significance. Last evaluated: 2019-10-10. Review status: criteria provided, single submitter. Criteria: GeneDx Variant Classification Process June 2021. Collection method: clinical testing. Allele origin: germline. Affected: yes.
Comment: Not observed in large population cohorts (Lek et al., 2016); In silico analysis, which includes protein predictors and evolutionary conservation, supports that this variant does not alter protein structure/function; Has not been previously published as pathogenic or benign to our knowledge

NM_001385012.1(NBEA):c.437A>G (p.Lys146Arg)

Gene: NBEA (neurobeachin; plus strand). Cytogenetic location: 13q13.3.
Variant type: single nucleotide variant.
Coding change: c.437A>G on transcript NM_001385012.1 (MANE Select); coding-DNA position 437, A replaced by G.
Protein change: p.Lys146Arg; replaces lysine 146 with arginine.
Molecular consequence: missense variant.
Genome position (GRCh38, 1-based): chr13:35,041,075, A>G. VCF-style: chr13-35041075-A-G. GRCh37 (hg19) VCF-style: chr13-35615212-A-G.
Other names: c.437A>G, p.Lys146Arg (NM_001379245.1, NM_015678.5); short protein forms K146R.
Identifiers: ClinVar variation 1315878 (VCV001315878.2), dbSNP rs2152557912, ClinGen allele CA387979295.